The following is an entry in ClinVar:

ClinVar aggregate classification (germline): Uncertain significance (1 of 4 stars; one submission).

Conditions:
Cardiovascular phenotype. Identifiers: MedGen CN230736.
Hereditary cancer-predisposing syndrome. Also called: Hereditary Cancer Syndrome; Neoplastic Syndromes, Hereditary; Tumor predisposition; Hereditary neoplastic syndrome. Identifiers: Orphanet 140162, MedGen C0027672, MeSH D009386, MONDO:0015356.

Submission:

Ambry Genetics
Classification: Uncertain significance for Cardiovascular phenotype; Hereditary cancer-predisposing syndrome. Last evaluated: 2021-03-10. Review status: criteria provided, single submitter. Criteria: Ambry Variant Classification Scheme 2023. Collection method: clinical testing. Allele origin: germline.
Comment: The p.V1665D variant (also known as c.4994T>A), located in coding exon 36 of the NF1 gene, results from a T to A substitution at nucleotide position 4994. The valine at codon 1665 is replaced by aspartic acid, an amino acid with highly dissimilar properties. This amino acid position is highly conserved in available vertebrate species. In addition, this alteration is predicted to be deleterious by in silico analysis. Since supporting evidence is limited at this time, the clinical significance of this alteration remains unclear.

NM_001042492.3(NF1):c.5057T>A (p.Val1686Asp)

Gene: NF1 (neurofibromin 1; plus strand). Cytogenetic location: 17q11.2.
Variant type: single nucleotide variant.
Coding change: c.5057T>A on transcript NM_001042492.3 (MANE Select); coding-DNA position 5057, T replaced by A.
Protein change: p.Val1686Asp; replaces valine 1686 with aspartic acid.
Molecular consequence: missense variant.
Genome position (GRCh38, 1-based): chr17:31,326,041, T>A. VCF-style: chr17-31326041-T-A. GRCh37 (hg19) VCF-style: chr17-29653059-T-A.
Other names: c.4994T>A, p.Val1665Asp (NM_000267.4); short protein forms V1665D, V1686D.
Identifiers: ClinVar variation 1744612 (VCV001744612.2), dbSNP rs2151538299, ClinGen allele CA399007417.